The following is an entry in ClinVar:

ClinVar aggregate classification (germline): Pathogenic (1 of 4 stars; one submission).

Conditions:
Ataxia-telangiectasia syndrome (AT). Also called: Ataxia-telangiectasia, complementation group D; AT, COMPLEMENTATION GROUP C; ATAXIA-TELANGIECTASIA, COMPLEMENTATION GROUP A; ATAXIA-TELANGIECTASIA, FRESNO VARIANT; Ataxia-telangiectasia; Ataxia telangiectasia (A-T). Identifiers: Orphanet 100, MedGen C0004135, MONDO:0008840, OMIM 208900.

Submission:

Labcorp Genetics (formerly Invitae), Labcorp
Classification: Pathogenic for Ataxia-telangiectasia syndrome. Last evaluated: 2023-02-14. Review status: criteria provided, single submitter. Criteria: Invitae Variant Classification Sherloc (09022015). Collection method: clinical testing. Allele origin: germline.
Comment: This sequence change creates a premature translational stop signal (p.Ser2310Tyrfs*62) in the ATM gene. It is expected to result in an absent or disrupted protein product. Loss-of-function variants in ATM are known to be pathogenic (PMID: 23807571, 25614872). This variant is not present in population databases (gnomAD no frequency). This variant has not been reported in the literature in individuals affected with ATM-related conditions. ClinVar contains an entry for this variant (Variation ID: 943268). For these reasons, this variant has been classified as Pathogenic.

Literature cited by the submitters: PubMed 23807571; PubMed 25614872.

NM_000051.4(ATM):c.6928_6929del (p.Ser2310fs)

Genes: ATM (ATM serine/threonine kinase; plus strand), C11orf65 (chromosome 11 open reading frame 65; minus strand). Cytogenetic location: 11q22.3.
Variant type: Deletion.
Coding change: c.6928_6929del on transcript NM_000051.4 (MANE Select); coding-DNA positions 6928 to 6929, 2 bases deleted (AG; older notation c.6928_6929delAG).
Protein change: p.Ser2310fs; shifts the reading frame from serine 2310.
Molecular consequence: frameshift variant. On other transcripts: intron variant (2).
Genome position (GRCh38, 1-based): chr11:108,326,178-108,326,179, AG deleted; deleting any 2 consecutive bases within chr11:108,326,177-108,326,179 gives the same sequence; the c. name uses the placement nearest the transcript's 3' end. VCF-style (leftmost placement, unchanged base first): chr11-108326176-TGA-T. GRCh37 (hg19) VCF-style: chr11-108196903-TGA-T.
Other names: c.6928_6929delAG, p.Ser2310Tyrfs (NM_000051.3); c.6928_6929del, p.Ser2310fs (NM_001351834.2); c.641-17107_641-17106del (NM_001330368.2); c.*38+9042_*38+9043del (NM_001351110.2); short protein forms S2310fs.
Identifiers: ClinVar variation 943268 (VCV000943268.9), dbSNP rs2085663022, ClinGen allele CA1139662262.